The following is an entry in ClinVar:

ClinVar aggregate classification (germline): Uncertain significance (1 of 4 stars; one submission).

Allele frequency attached by ClinVar (database versions not stated): gnomAD 0.00001; gnomAD exomes 0.00001; TOPMed 0.00002; ExAC 0.00007.
gnomAD v4.1: 13 of 1,471,316 alleles (0.00088%); highest among the groups gnomAD compares: Admixed American, 0.024%; no homozygotes.

Submission:

Labcorp Genetics (formerly Invitae), Labcorp
Classification: Uncertain significance. Last evaluated: 2022-02-28. Review status: criteria provided, single submitter. Criteria: Invitae Variant Classification Sherloc (09022015). Collection method: clinical testing. Allele origin: germline.
Comment: In summary, the available evidence is currently insufficient to determine the role of this variant in disease. Therefore, it has been classified as a Variant of Uncertain Significance. Algorithms developed to predict the effect of missense changes on protein structure and function (SIFT, PolyPhen-2, Align-GVGD) all suggest that this variant is likely to be tolerated. This variant has not been reported in the literature in individuals affected with LMBR1-related conditions. This variant is present in population databases (rs772415094, gnomAD 0.04%). This sequence change replaces leucine, which is neutral and non-polar, with valine, which is neutral and non-polar, at codon 233 of the LMBR1 protein (p.Leu233Val).

NM_022458.4(LMBR1):c.697C>G (p.Leu233Val)

Gene: LMBR1 (limb development membrane protein 1; minus strand). Cytogenetic location: 7q36.3.
Variant type: single nucleotide variant.
Coding change: c.697C>G on transcript NM_022458.4 (MANE Select); coding-DNA position 697, C replaced by G.
Protein change: p.Leu233Val; replaces leucine 233 with valine.
Molecular consequence: missense variant. On other transcripts: non-coding transcript variant (2).
Genome position (GRCh38, 1-based): chr7:156,756,453, G>C on the plus strand (C>G on the coding strand, the complement: LMBR1 is on the minus strand). VCF-style: chr7-156756453-G-C. GRCh37 (hg19) VCF-style: chr7-156549147-G-C.
Other names: c.697C>G, p.Leu233Val (NM_001350953.2, NM_001363409.2, NM_001363410.2); c.418C>G, p.Leu140Val (NM_001350954.2); c.241C>G, p.Leu81Val (NM_001350955.2, NM_001350956.2, NM_001350958.2 and 1 more transcripts); c.328C>G, p.Leu110Val (NM_001350957.2, NM_001363411.2); c.634C>G, p.Leu212Val (NM_001363412.2); short protein forms L140V, L233V, L212V, L81V, L110V.
Identifiers: ClinVar variation 2196461 (VCV002196461.4), dbSNP rs772415094, ClinGen allele CA4588018.